The following is an entry in ClinVar:

ClinVar aggregate classification (germline): Uncertain significance (0 of 4 stars; one submission).

Conditions:
PRRX1-related disorder. Also called: PRRX1-related condition.

gnomAD v4.1: 14 of 1,613,676 alleles (0.00087%); highest among the groups gnomAD compares: Non-Finnish European, 0.0012%; no homozygotes.

Submission:

PreventionGenetics, part of Exact Sciences
Classification: Uncertain significance for PRRX1-related condition. Last evaluated: 2024-03-05. Review status: no assertion criteria provided. Collection method: clinical testing. Allele origin: germline.
Comment: The PRRX1 c.151G>T variant is predicted to result in the amino acid substitution p.Ala51Ser. To our knowledge, this variant has not been reported in the literature. This variant is reported in 0.00089% of alleles in individuals of European (Non-Finnish) descent in gnomAD. At this time, the clinical significance of this variant is uncertain due to the absence of conclusive functional and genetic evidence.

NM_022716.4(PRRX1):c.151G>T (p.Ala51Ser)

Gene: PRRX1 (paired related homeobox 1; plus strand). Cytogenetic location: 1q24.2.
Variant type: single nucleotide variant.
Coding change: c.151G>T on transcript NM_022716.4 (MANE Select); coding-DNA position 151, G replaced by T.
Protein change: p.Ala51Ser; replaces alanine 51 with serine.
Molecular consequence: missense variant.
Genome position (GRCh38, 1-based): chr1:170,664,369, G>T. VCF-style: chr1-170664369-G-T. GRCh37 (hg19) VCF-style: chr1-170633510-G-T.
Other names: c.151G>T, p.Ala51Ser (NM_006902.5); short protein forms A51S.
Identifiers: ClinVar variation 3358713 (VCV003358713.1).
Genomic context (GRCh38, chr1:170,664,369, plus strand): 5'-AAAAAGAACTTCTCCGTCAGTCACCTGCTAGACCTGGAGGAAGCCGGGGACATGGTGGCG[G>T]CACAGGCGGATGAGAACGTGGGCGAGGCTGGCCGGAGCCTGCTGGAGTCGCCGGGACTCA-3'
Protein context (NP_073207.1, residues 41-61): DLEEAGDMVA[Ala51Ser]QADENVGEAG